The following is an entry in ClinVar:

NM_000179.3(MSH6):c.163C>T (p.Pro55Ser)

Gene: MSH6 (mutS homolog 6; plus strand). Cytogenetic location: 2p16.3.
Variant type: single nucleotide variant.
Coding change: c.163C>T on transcript NM_000179.3 (MANE Select); coding-DNA position 163, C replaced by T.
Protein change: p.Pro55Ser; replaces proline 55 with serine.
Molecular consequence: missense variant. On other transcripts: 5 prime UTR variant (1).
Genome position (GRCh38, 1-based): chr2:47,783,396, C>T. VCF-style: chr2-47783396-C-T. GRCh37 (hg19) VCF-style: chr2-48010535-C-T.
Other names: c.163C>T, p.Pro55Ser (NM_001281492.2); c.-574C>T (NM_001281493.2); short protein forms P55S.
Identifiers: ClinVar variation 1472732 (VCV001472732.6), dbSNP rs2103939567, ClinGen allele CA346734974.

ClinVar aggregate classification (germline): Uncertain significance (1 of 4 stars; one submission).

Conditions:
Hereditary nonpolyposis colorectal neoplasms. Identifiers: MedGen C0009405, MeSH D003123.

Submission:

Labcorp Genetics (formerly Invitae), Labcorp
Classification: Uncertain significance for Hereditary nonpolyposis colorectal neoplasms. Last evaluated: 2024-06-23. Review status: criteria provided, single submitter. Criteria: Invitae Variant Classification Sherloc (09022015). Collection method: clinical testing. Allele origin: germline.
Comment: This sequence change replaces proline, which is neutral and non-polar, with serine, which is neutral and polar, at codon 55 of the MSH6 protein (p.Pro55Ser). This variant is not present in population databases (gnomAD no frequency). This variant has not been reported in the literature in individuals affected with MSH6-related conditions. ClinVar contains an entry for this variant (Variation ID: 1472732). Advanced modeling of protein sequence and biophysical properties (such as structural, functional, and spatial information, amino acid conservation, physicochemical variation, residue mobility, and thermodynamic stability) performed at Invitae indicates that this missense variant is not expected to disrupt MSH6 protein function with a negative predictive value of 95%. In summary, the available evidence is currently insufficient to determine the role of this variant in disease. Therefore, it has been classified as a Variant of Uncertain Significance.